The following is an entry in ClinVar:

ClinVar aggregate classification (germline): Likely benign (1 of 4 stars; one submission).

gnomAD v4.1: 1,098 of 1,613,680 alleles (0.068%); highest among the groups gnomAD compares: Non-Finnish European, 0.09%; 1 homozygote.

Submission:

CeGaT Center for Human Genetics Tuebingen
Classification: Likely benign. Last evaluated: 2025-03-01. Review status: criteria provided, single submitter. Criteria: CeGaT Center For Human Genetics Tuebingen Variant Classification Criteria Version 2. Collection method: clinical testing. Allele origin: germline. Affected: yes. Observed: 1 variant allele.
Comment: AHNAK2: BP4

NM_138420.4(AHNAK2):c.15112G>A (p.Val5038Ile)

Gene: AHNAK2 (AHNAK nucleoprotein 2; minus strand). Cytogenetic location: 14q32.33.
Variant type: single nucleotide variant.
Coding change: c.15112G>A on transcript NM_138420.4 (MANE Select); coding-DNA position 15112, G replaced by A.
Protein change: p.Val5038Ile; replaces valine 5038 with isoleucine.
Molecular consequence: missense variant.
Genome position (GRCh38, 1-based): chr14:104,940,339, C>T on the plus strand (G>A on the coding strand, the complement: AHNAK2 is on the minus strand). VCF-style: chr14-104940339-C-T. GRCh37 (hg19) VCF-style: chr14-105406676-C-T.
Other names: c.14812G>A, p.Val4938Ile (NM_001350929.2); short protein forms V4938I, V5038I.
Identifiers: ClinVar variation 3777914 (VCV003777914.7).
Genomic context (GRCh38, chr14:104,940,339, plus strand): 5'-AGCTACCCCCTGCTGTGGCACTAGAAAGGGAAGGATCCACGTCTCTCTGTGGCAGGCTGA[C>T]CCCACTCTTAGAAGCCTTCATTTTGGGAAGTGCAAGTTTTGGCATGGCAAAGCCAGGCTT-3'
Protein context (NP_612429.2, residues 5028-5048): LPKMKASKSG[Val5038Ile]SLPQRDVDPS